The following is an entry in ClinVar:

NM_000204.5(CFI):c.96_110del (p.Cys33_Lys37del)

Gene: CFI (complement factor I; minus strand). Cytogenetic location: 4q25.
Variant type: Deletion.
Coding change: c.96_110del on transcript NM_000204.5 (MANE Select); coding-DNA positions 96 to 110, 15 bases deleted (GTGCTTAGCAAAAAA).
Protein change: p.Cys33_Lys37del.
Molecular consequence: inframe deletion. On other transcripts: non-coding transcript variant (3), intron variant (1).
Genome position (GRCh38, 1-based): chr4:109,766,772-109,766,786, TTTTTTGCTAAGCAC deleted on the plus strand (GTGCTTAGCAAAAAA on the coding strand, the reverse complement: CFI is on the minus strand); deleting any 15 consecutive bases within chr4:109,766,772-109,766,791 gives the same sequence; the c. name uses the placement nearest the transcript's 3' end. VCF-style (leftmost placement, unchanged base first): chr4-109766771-TTTTTTTGCTAAGCAC-T. GRCh37 (hg19) VCF-style: chr4-110687927-TTTTTTTGCTAAGCAC-T.
Other names: c.96_110del, p.Cys33_Lys37del (NM_001318057.2, NM_001331035.2, NM_001375278.1 and 10 more transcripts); c.-127-5094_-127-5080del (NM_001375284.1).
Identifiers: ClinVar variation 4280438 (VCV004280438.1).
Genomic context (GRCh38, chr4:109,766,771, plus strand): 5'-GCCCTCAATGCATCTCTGCCATGGCTGGCAGAAGACTTTATCGCAGGAGAGGTGAGTATA[TTTTTTTGCTAAGCAC>T]TTTTTCTCCACCAGATCCTCTTGAGATGTATAAGTGACCTGTAAAATGCAAAATAAACAT-3'

ClinVar aggregate classification (germline): Likely pathogenic (1 of 4 stars; one submission).

Conditions:
Atypical hemolytic-uremic syndrome. Identifiers: Orphanet 2134, MedGen C2931788, MONDO:0016244.

Submission:

Genomenon, Inc
Classification: Likely pathogenic for Atypical hemolytic-uremic syndrome. Last evaluated: 2025-09-26. Review status: criteria provided, single submitter. Criteria: Genomenon Sequence Variant Interpretation Standards - Updated. Collection method: curation. Allele origin: germline. Affected: yes.
Comment: CFI p.Cys33_Lys37del (c.96_110del) is an in-frame deletion variant that results in the deletion of multiple amino acids, from Cysteine at position 33 to Lysine at position 37. This variant has been observed in at least one proband affected with atypical hemolytic-uremic syndrome (PMID:34169201). The variant was found to segregate with disease in at least one affected family (PMID:34169201). It is absent or not present at a significant frequency in gnomAD. In conclusion, we classify CFI p.Cys33_Lys37del (c.96_110del) as a likely pathogenic variant.

Literature cited by the submitters: PubMed 34169201.